The following is an entry in ClinVar:

NM_000372.5(TYR):c.750G>C (p.Glu250Asp)

Gene: TYR (tyrosinase; plus strand). Cytogenetic location: 11q14.3.
Variant type: single nucleotide variant.
Coding change: c.750G>C on transcript NM_000372.5 (MANE Select); coding-DNA position 750, G replaced by C.
Protein change: p.Glu250Asp; replaces glutamic acid 250 with aspartic acid.
Molecular consequence: missense variant.
Genome position (GRCh38, 1-based): chr11:89,178,703, G>C. VCF-style: chr11-89178703-G-C. GRCh37 (hg19) VCF-style: chr11-88911871-G-C.
Other names: short protein forms E250D.
Identifiers: ClinVar variation 1494654 (VCV001494654.5), dbSNP rs1419970240, ClinGen allele CA382035309.
Genomic context (GRCh38, chr11:89,178,703, plus strand): 5'-CTTCACTATTCCATATTGGGACTGGCGGGATGCAGAAAAGTGTGACATTTGCACAGATGA[G>C]TACATGGGAGGTCAGCACCCCACAAATCCTAACTTACTCAGCCCAGCATCATTCTTCTCC-3'
Protein context (NP_000363.1, residues 240-260): DAEKCDICTD[Glu250Asp]YMGGQHPTNP

ClinVar aggregate classification (germline): Uncertain significance (1 of 4 stars; one submission).

Allele frequency attached by ClinVar (database versions not stated): gnomAD exomes below 0.00001; TOPMed below 0.00001.
gnomAD v4.1: 5 of 1,614,086 alleles (0.00031%); highest among the groups gnomAD compares: Non-Finnish European, 0.00042%; no homozygotes.

Submission:

Labcorp Genetics (formerly Invitae), Labcorp
Classification: Uncertain significance. Last evaluated: 2022-11-22. Review status: criteria provided, single submitter. Criteria: Invitae Variant Classification Sherloc (09022015). Collection method: clinical testing. Allele origin: germline.
Comment: This sequence change replaces glutamic acid, which is acidic and polar, with aspartic acid, which is acidic and polar, at codon 250 of the TYR protein (p.Glu250Asp). This variant is present in population databases (no rsID available, gnomAD 0.0009%). In summary, the available evidence is currently insufficient to determine the role of this variant in disease. Therefore, it has been classified as a Variant of Uncertain Significance. Advanced modeling of protein sequence and biophysical properties (such as structural, functional, and spatial information, amino acid conservation, physicochemical variation, residue mobility, and thermodynamic stability) performed at Invitae indicates that this missense variant is not expected to disrupt TYR protein function. ClinVar contains an entry for this variant (Variation ID: 1494654). This variant has not been reported in the literature in individuals affected with TYR-related conditions.